The following is an entry in ClinVar:

NM_022765.4(MICAL1):c.1919G>A (p.Arg640Lys)

Gene: MICAL1 (microtubule associated monooxygenase, calponin and LIM domain containing 1; minus strand). Cytogenetic location: 6q21.
Variant type: single nucleotide variant.
Coding change: c.1919G>A on transcript NM_022765.4 (MANE Select); coding-DNA position 1919, G replaced by A.
Protein change: p.Arg640Lys; replaces arginine 640 with lysine.
Molecular consequence: missense variant.
Genome position (GRCh38, 1-based): chr6:109,447,900, C>T on the plus strand (G>A on the coding strand, the complement: MICAL1 is on the minus strand). VCF-style: chr6-109447900-C-T. GRCh37 (hg19) VCF-style: chr6-109769103-C-T.
Other names: c.1661G>A, p.Arg554Lys (NM_001159291.2); c.1976G>A, p.Arg659Lys (NM_001286613.2); short protein forms R554K, R640K, R659K.
Identifiers: ClinVar variation 4721519 (VCV004721519.1).

ClinVar aggregate classification (germline): Uncertain significance (1 of 4 stars; one submission).

gnomAD v4.1: 1 of 1,613,454 alleles (0.000062%); highest among the groups gnomAD compares: East Asian, 0.0022%; no homozygotes.

Submission:

Labcorp Genetics (formerly Invitae), Labcorp
Classification: Uncertain significance. Last evaluated: 2025-06-16. Review status: criteria provided, single submitter. Criteria: Invitae Variant Classification Sherloc (09022015). Collection method: clinical testing. Allele origin: germline.
Comment: This sequence change replaces arginine, which is basic and polar, with lysine, which is basic and polar, at codon 659 of the MICAL1 protein (p.Arg659Lys). This variant is not present in population databases (gnomAD no frequency). This variant has not been reported in the literature in individuals affected with MICAL1-related conditions. An algorithm developed to predict the effect of missense changes on protein structure and function (PolyPhen-2) suggests that this variant is likely to be tolerated. In summary, the available evidence is currently insufficient to determine the role of this variant in disease. Therefore, it has been classified as a Variant of Uncertain Significance.